The following is an entry in ClinVar:

NM_177438.3(DICER1):c.1618C>T (p.Pro540Ser)

Gene: DICER1 (dicer 1, ribonuclease III; minus strand). Cytogenetic location: 14q32.13.
Variant type: single nucleotide variant.
Coding change: c.1618C>T on transcript NM_177438.3 (MANE Select); coding-DNA position 1618, C replaced by T.
Protein change: p.Pro540Ser; replaces proline 540 with serine.
Molecular consequence: missense variant.
Genome position (GRCh38, 1-based): chr14:95,116,587, G>A on the plus strand (C>T on the coding strand, the complement: DICER1 is on the minus strand). VCF-style: chr14-95116587-G-A. GRCh37 (hg19) VCF-style: chr14-95582924-G-A.
Other names: c.1618C>T, p.Pro540Ser (NM_001195573.1, NM_001271282.3, NM_001291628.2 and 1 more transcripts); short protein forms P540S.
Identifiers: ClinVar variation 947560 (VCV000947560.11), dbSNP rs1892495864, ClinGen allele CA390884943.
Genomic context (GRCh38, chr14:95,116,587, plus strand): 5'-AATTAGAGATGGGTGCCCTTGCTCTTCCTTTAGATTGAACATAGGATCGATATTCTGTGG[G>A]CAAATCAAAACGAACCACCAAGTTGCATTTTGGTATATCAACACCCTCTTCTACAATACT-3'
Protein context (NP_803187.1, residues 530-550): KCNLVVRFDL[Pro540Ser]TEYRSYVQSK

ClinVar aggregate classification (germline): Uncertain significance (1 of 4 stars; one submission).

Conditions:
DICER1-related tumor predisposition. Also called: DICER1-related pleuropulmonary blastoma cancer predisposition syndrome; DICER1 syndrome. Identifiers: Orphanet 284343, MedGen C3839822, MONDO:0100216.

Submission:

Labcorp Genetics (formerly Invitae), Labcorp
Classification: Uncertain significance for DICER1-related tumor predisposition. Last evaluated: 2021-01-14. Review status: criteria provided, single submitter. Criteria: Invitae Variant Classification Sherloc (09022015). Collection method: clinical testing. Allele origin: germline.
Comment: In summary, the available evidence is currently insufficient to determine the role of this variant in disease. Therefore, it has been classified as a Variant of Uncertain Significance. Algorithms developed to predict the effect of missense changes on protein structure and function (SIFT, PolyPhen-2, Align-GVGD) all suggest that this variant is likely to be disruptive, but these predictions have not been confirmed by published functional studies and their clinical significance is uncertain. This variant has not been reported in the literature in individuals with DICER1-related conditions. This variant is not present in population databases (ExAC no frequency). This sequence change replaces proline with serine at codon 540 of the DICER1 protein (p.Pro540Ser). The proline residue is highly conserved and there is a moderate physicochemical difference between proline and serine.